The following is an entry in ClinVar:

ClinVar aggregate classification (germline): Benign/Likely benign. Review status: criteria provided, multiple submitters, no conflicts (2 of 4 stars). 8 submissions from 8 submitters: Benign (1); Likely benign (4). 3 of the submissions do not count toward it. Last evaluated 2025-12-12.

Conditions:
Arrhythmogenic right ventricular dysplasia 13. Also called: ARRHYTHMOGENIC RIGHT VENTRICULAR CARDIOMYOPATHY 13; Arrhythmogenic right ventricular dysplasia, familial, 13. Identifiers: MedGen C3810138, MONDO:0000908, OMIM 615616.
CTNNA3-related disorder. Also called: CTNNA3-related condition.

Allele frequency attached by ClinVar (database versions not stated): gnomAD exomes 0.00006 and 0.00010; ExAC 0.00015; ESP Exome Variant Server 0.00015; TOPMed 0.00022; gnomAD 0.00025 and 0.00026.
gnomAD v4.1: 130 of 1,613,884 alleles (0.0081%); highest among the groups gnomAD compares: Middle Eastern, 0.099%; no homozygotes.

Submissions (8):

Labcorp Genetics (formerly Invitae), Labcorp
Classification: Benign for Arrhythmogenic right ventricular dysplasia 13. Last evaluated: 2025-12-12. Review status: criteria provided, single submitter. Criteria: Invitae Variant Classification Sherloc (09022015). Collection method: clinical testing. Allele origin: germline.

PreventionGenetics, part of Exact Sciences
Classification: Likely benign for CTNNA3-related condition. Last evaluated: 2024-10-10. Review status: criteria provided, single submitter. Criteria: ACMG Guidelines, 2015. Collection method: clinical testing. Allele origin: germline.
Comment: This variant is classified as likely benign based on ACMG/AMP sequence variant interpretation guidelines (Richards et al. 2015 PMID: 25741868, with internal and published modifications).

Ambry Genetics
Classification: Likely benign. Last evaluated: 2022-08-10. Review status: criteria provided, single submitter. Criteria: Ambry Variant Classification Scheme 2023. Collection method: clinical testing. Allele origin: germline.

GeneDx
Classification: Likely benign. Last evaluated: 2019-02-13. Review status: criteria provided, single submitter. Criteria: GeneDx Variant Classification Process June 2021. Collection method: clinical testing. Allele origin: germline. Affected: yes.

Breakthrough Genomics
Classification: Likely benign. Review status: criteria provided, single submitter. Criteria: ACMG Guidelines, 2015. Collection method: not provided. Allele origin: germline. Inheritance: Autosomal dominant inheritance. Affected: yes.

Clinical Genetics DNA and cytogenetics Diagnostics Lab, Erasmus MC, Erasmus Medical Center
Classification: Likely benign. Review status: no assertion criteria provided. Collection method: clinical testing. Allele origin: germline. Affected: yes. Study: VKGL Data-share Consensus. Not counted in ClinVar's aggregate classification.

Clinical Genetics, Academic Medical Center
Classification: Benign. Review status: no assertion criteria provided. Collection method: clinical testing. Allele origin: germline. Affected: yes. Study: VKGL Data-share Consensus. Not counted in ClinVar's aggregate classification.

Joint Genome Diagnostic Labs from Nijmegen and Maastricht, Radboudumc and MUMC+
Classification: Likely benign. Review status: no assertion criteria provided. Collection method: clinical testing. Allele origin: germline. Affected: yes. Study: VKGL Data-share Consensus. Not counted in ClinVar's aggregate classification.

NM_013266.4(CTNNA3):c.387G>A (p.Leu129=)

Gene: CTNNA3 (catenin alpha 3; minus strand). Cytogenetic location: 10q21.3.
Variant type: single nucleotide variant.
Coding change: c.387G>A on transcript NM_013266.4 (MANE Select); coding-DNA position 387, G replaced by A.
Protein change: p.Leu129=; no amino-acid change (leucine 129 retained).
Molecular consequence: synonymous variant.
Genome position (GRCh38, 1-based): chr10:67,539,575, C>T on the plus strand (G>A on the coding strand, the complement: CTNNA3 is on the minus strand). VCF-style: chr10-67539575-C-T. GRCh37 (hg19) VCF-style: chr10-69299333-C-T.
Other names: c.387G>A, p.Leu129= (NM_001127384.3); c.423G>A, p.Leu141= (NM_001291133.2).
Identifiers: ClinVar variation 695707 (VCV000695707.23), dbSNP rs143943926, ClinGen allele CA5520636.